The following is an entry in ClinVar:

ClinVar aggregate classification (germline): Likely benign. Review status: criteria provided, multiple submitters, no conflicts (2 of 4 stars). 2 submissions from 2 submitters: Likely benign (2). Last evaluated 2025-09-15.

Conditions:
Tyrosinemia type I (TYRSN1). Also called: FAH DEFICIENCY; Tyrosinemia type 1; Fumarylacetoacetase deficiency; Deficiency of fumarylacetoacetase; HEPATORENAL TYROSINEMIA. Identifiers: Orphanet 882, MedGen C0268490, MONDO:0010161, OMIM 276700. Disease mechanism: loss of function.

Allele frequency attached by ClinVar (database versions not stated): ExAC 0.00001; gnomAD exomes 0.00002; gnomAD 0.00003 and 0.00004; TOPMed 0.00003.

Submissions (2):

Labcorp Genetics (formerly Invitae), Labcorp
Classification: Likely benign for Tyrosinemia type I. Last evaluated: 2025-09-15. Review status: criteria provided, single submitter. Criteria: Invitae Variant Classification Sherloc (09022015). Collection method: clinical testing. Allele origin: germline.

GeneDx
Classification: Likely benign. Last evaluated: 2018-01-12. Review status: criteria provided, single submitter. Criteria: GeneDx Variant Classification (06012015). Collection method: clinical testing. Allele origin: germline. Affected: yes.
Comment: This variant is considered likely benign or benign based on one or more of the following criteria: it is a conservative change, it occurs at a poorly conserved position in the protein, it is predicted to be benign by multiple in silico algorithms, and/or has population frequency not consistent with disease.

NM_000137.4(FAH):c.82-14C>T

Gene: FAH (fumarylacetoacetate hydrolase; plus strand). Cytogenetic location: 15q25.1.
Variant type: single nucleotide variant.
Coding change: c.82-14C>T on transcript NM_000137.4 (MANE Select); 14 bases into the intron before coding-DNA position 82, C replaced by T.
Molecular consequence: intron variant.
Genome position (GRCh38, 1-based): chr15:80,158,046, C>T. VCF-style: chr15-80158046-C-T. GRCh37 (hg19) VCF-style: chr15-80450388-C-T.
Other names: c.82-14C>T (NM_001374377.1, NM_001374380.1).
Identifiers: ClinVar variation 514402 (VCV000514402.4), dbSNP rs746674102, ClinGen allele CA7691015.